The following is an entry in ClinVar:

NM_004247.4(EFTUD2):c.208G>A (p.Glu70Lys)

Gene: EFTUD2 (elongation factor Tu GTP binding domain containing 2; minus strand). Cytogenetic location: 17q21.31.
Variant type: single nucleotide variant.
Coding change: c.208G>A on transcript NM_004247.4 (MANE Select); coding-DNA position 208, G replaced by A.
Protein change: p.Glu70Lys; replaces glutamic acid 70 with lysine.
Molecular consequence: missense variant.
Genome position (GRCh38, 1-based): chr17:44,886,648, C>T on the plus strand (G>A on the coding strand, the complement: EFTUD2 is on the minus strand). VCF-style: chr17-44886648-C-T. GRCh37 (hg19) VCF-style: chr17-42964016-C-T.
Other names: c.103G>A, p.Glu35Lys (NM_001142605.2); c.208G>A, p.Glu70Lys (NM_001258353.2, NM_001258354.2); short protein forms E35K, E70K.
Identifiers: ClinVar variation 2198916 (VCV002198916.4), dbSNP rs755063056, ClinGen allele CA8608172.

ClinVar aggregate classification (germline): Uncertain significance (1 of 4 stars; one submission).

Allele frequency attached by ClinVar (database versions not stated): ExAC 0.00001; gnomAD exomes 0.00002; gnomAD 0.00003; TOPMed 0.00004.
gnomAD v4.1: 38 of 1,614,056 alleles (0.0024%); highest among the groups gnomAD compares: Non-Finnish European, 0.003%; no homozygotes.

Submission:

Labcorp Genetics (formerly Invitae), Labcorp
Classification: Uncertain significance. Last evaluated: 2022-07-15. Review status: criteria provided, single submitter. Criteria: Invitae Variant Classification Sherloc (09022015). Collection method: clinical testing. Allele origin: germline.
Comment: In summary, the available evidence is currently insufficient to determine the role of this variant in disease. Therefore, it has been classified as a Variant of Uncertain Significance. Algorithms developed to predict the effect of missense changes on protein structure and function (SIFT, PolyPhen-2, Align-GVGD) all suggest that this variant is likely to be tolerated. This variant has not been reported in the literature in individuals affected with EFTUD2-related conditions. This variant is present in population databases (rs755063056, gnomAD 0.002%). This sequence change replaces glutamic acid, which is acidic and polar, with lysine, which is basic and polar, at codon 70 of the EFTUD2 protein (p.Glu70Lys).